The following is an entry in ClinVar:

NM_001244008.2(KIF1A):c.864+1G>T

Gene: KIF1A (kinesin family member 1A; minus strand). Cytogenetic location: 2q37.3.
Variant type: single nucleotide variant.
Coding change: c.864+1G>T on transcript NM_001244008.2 (MANE Select); the canonical splice donor site of the intron after coding-DNA position 864, G replaced by T.
Molecular consequence: splice donor variant.
Genome position (GRCh38, 1-based): chr2:240,783,043, C>A on the plus strand (G>T on the coding strand, the complement: KIF1A is on the minus strand). VCF-style: chr2-240783043-C-A. GRCh37 (hg19) VCF-style: chr2-241722460-C-A.
Other names: c.864+1G>T (NM_001379653.1, NM_001379650.1, NM_001379645.1 and 20 more transcripts).
Identifiers: ClinVar variation 4785288 (VCV004785288.1).

ClinVar aggregate classification (germline): Likely pathogenic (1 of 4 stars; one submission).

Conditions:
Neuropathy, hereditary sensory, type 2C. Also called: KIF1A-Related HSAN2 (HSAN2C); Hereditary sensory and autonomic neuropathy type IIC. Identifiers: Orphanet 970, MedGen C3280168, MONDO:0013634, OMIM 614213.
Hereditary spastic paraplegia 30. Identifiers: Orphanet 101010, MedGen C5235139, MONDO:0012476.
Intellectual disability, autosomal dominant 9 (NESCAVS). Also called: KIF1A-Related Neurodevelopmental Disorder; NESCAV SYNDROME. Identifiers: Orphanet 662367, MedGen C5393830, MONDO:0013656, OMIM 614255.

Submission:

Labcorp Genetics (formerly Invitae), Labcorp
Classification: Likely pathogenic for Hereditary spastic paraplegia 30; Neuropathy, hereditary sensory, type 2C; Intellectual disability, autosomal dominant 9. Last evaluated: 2025-06-12. Review status: criteria provided, single submitter. Criteria: Invitae Variant Classification Sherloc (09022015). Collection method: clinical testing. Allele origin: germline.
Comment: This sequence change affects a donor splice site in intron 8 of the KIF1A gene. It is expected to disrupt RNA splicing. Variants that disrupt the donor or acceptor splice site typically lead to a loss of protein function (PMID: 16199547), and loss-of-function variants in KIF1A are known to be pathogenic (PMID: 21820098). This variant is not present in population databases (gnomAD no frequency). This variant has not been reported in the literature in individuals affected with KIF1A-related conditions. Algorithms developed to predict the effect of sequence changes on RNA splicing suggest that this variant may disrupt the consensus splice site. In summary, the currently available evidence indicates that the variant is pathogenic, but additional data are needed to prove that conclusively. Therefore, this variant has been classified as Likely Pathogenic.

Literature cited by the submitters: PubMed 16199547; PubMed 21820098.